The following is an entry in ClinVar:

NM_002336.3(LRP6):c.3510T>G (p.Ile1170Met)

Gene: LRP6 (LDL receptor related protein 6; minus strand). Cytogenetic location: 12p13.2.
Variant type: single nucleotide variant.
Coding change: c.3510T>G on transcript NM_002336.3 (MANE Select); coding-DNA position 3510, T replaced by G.
Protein change: p.Ile1170Met; replaces isoleucine 1170 with methionine.
Molecular consequence: missense variant. On other transcripts: non-coding transcript variant (1).
Genome position (GRCh38, 1-based): chr12:12,138,422, A>C on the plus strand (T>G on the coding strand, the complement: LRP6 is on the minus strand). VCF-style: chr12-12138422-A-C. GRCh37 (hg19) VCF-style: chr12-12291356-A-C.
Other names: c.3603T>G, p.Ile1201Met (NM_001414244.1); c.3510T>G, p.Ile1170Met (NM_001414245.1, NM_001414246.1, NM_001414248.1 and 3 more transcripts); c.3312T>G, p.Ile1104Met (NM_001414247.1); c.3057T>G, p.Ile1019Met (NM_001414252.1, NM_001414253.1, NM_001414254.1); c.3003T>G, p.Ile1001Met (NM_001414255.1); short protein forms I1001M, I1104M, I1201M, I1019M, I1170M.
Identifiers: ClinVar variation 3679470 (VCV003679470.2).

ClinVar aggregate classification (germline): Uncertain significance (1 of 4 stars; one submission).

gnomAD v4.1: 2 of 1,614,108 alleles (0.00012%); highest among the groups gnomAD compares: Non-Finnish European, 0.00017%; no homozygotes.

Submission:

Labcorp Genetics (formerly Invitae), Labcorp
Classification: Uncertain significance. Last evaluated: 2025-06-12. Review status: criteria provided, single submitter. Criteria: Invitae Variant Classification Sherloc (09022015). Collection method: clinical testing. Allele origin: germline.
Comment: This sequence change replaces isoleucine, which is neutral and non-polar, with methionine, which is neutral and non-polar, at codon 1170 of the LRP6 protein (p.Ile1170Met). This variant is not present in population databases (gnomAD no frequency). This variant has not been reported in the literature in individuals affected with LRP6-related conditions. ClinVar contains an entry for this variant (Variation ID: 3679470). Invitae Evidence Modeling of protein sequence and biophysical properties (such as structural, functional, and spatial information, amino acid conservation, physicochemical variation, residue mobility, and thermodynamic stability) indicates that this missense variant is not expected to disrupt LRP6 protein function with a negative predictive value of 80%. In summary, the available evidence is currently insufficient to determine the role of this variant in disease. Therefore, it has been classified as a Variant of Uncertain Significance.